The following is an entry in ClinVar:

ClinVar aggregate classification (germline): Uncertain significance (1 of 4 stars; one submission).

Conditions:
Hereditary cancer-predisposing syndrome. Also called: Neoplastic Syndromes, Hereditary; Tumor predisposition; Hereditary Cancer Syndrome; Hereditary neoplastic syndrome. Identifiers: Orphanet 140162, MedGen C0027672, MeSH D009386, MONDO:0015356.

gnomAD v4.1: 9 of 1,613,994 alleles (0.00056%); highest among the groups gnomAD compares: Non-Finnish European, 0.00076%; no homozygotes.

Submission:

Ambry Genetics
Classification: Uncertain significance for Hereditary cancer-predisposing syndrome. Last evaluated: 2023-01-18. Review status: criteria provided, single submitter. Criteria: Ambry Variant Classification Scheme 2023. Collection method: clinical testing. Allele origin: germline.
Comment: The p.N163D variant (also known as c.487A>G), located in coding exon 4 of the RAD50 gene, results from an A to G substitution at nucleotide position 487. The asparagine at codon 163 is replaced by aspartic acid, an amino acid with highly similar properties. This amino acid position is highly conserved in available vertebrate species. In addition, this alteration is predicted to be tolerated by in silico analysis. Since supporting evidence is limited at this time, the clinical significance of this alteration remains unclear.

NM_005732.4(RAD50):c.487A>G (p.Asn163Asp)

Gene: RAD50 (RAD50 double strand break repair protein; plus strand). Cytogenetic location: 5q31.1.
Variant type: single nucleotide variant.
Coding change: c.487A>G on transcript NM_005732.4 (MANE Select); coding-DNA position 487, A replaced by G.
Protein change: p.Asn163Asp; replaces asparagine 163 with aspartic acid.
Molecular consequence: missense variant.
Genome position (GRCh38, 1-based): chr5:132,579,438, A>G. VCF-style: chr5-132579438-A-G. GRCh37 (hg19) VCF-style: chr5-131915130-A-G.
Other names: short protein forms N163D.
Identifiers: ClinVar variation 232523 (VCV000232523.6), dbSNP rs876659820, ClinGen allele CA10578489.